The following is an entry in ClinVar:

ClinVar aggregate classification (germline): Likely benign. Review status: criteria provided, multiple submitters, no conflicts (2 of 4 stars). 2 submissions from 2 submitters: Likely benign (2). Last evaluated 2026-09-02.

Conditions:
TRRAP-related disorder. Also called: TRRAP-related condition.

Allele frequency attached by ClinVar (database versions not stated): TOPMed below 0.00001; gnomAD exomes 0.00001.
gnomAD v4.1: 12 of 1,614,048 alleles (0.00074%); highest among the groups gnomAD compares: Middle Eastern, 0.033%; no homozygotes.

Submissions (2):

PreventionGenetics, part of Exact Sciences
Classification: Likely benign for TRRAP-related condition. Last evaluated: 2026-09-02. Review status: criteria provided, single submitter. Criteria: ACMG Guidelines, 2015. Collection method: clinical testing. Allele origin: germline.
Comment: This variant is classified as likely benign based on ACMG/AMP sequence variant interpretation guidelines (Richards et al. 2015 PMID: 25741868, with internal and published modifications).

Labcorp Genetics (formerly Invitae), Labcorp
Classification: Likely benign. Last evaluated: 2025-12-26. Review status: criteria provided, single submitter. Criteria: Invitae Variant Classification Sherloc (09022015). Collection method: clinical testing. Allele origin: germline.

NM_001375524.1(TRRAP):c.4473C>T (p.Asn1491=)

Gene: TRRAP (transformation/transcription domain associated protein; plus strand). Cytogenetic location: 7q22.1.
Variant type: single nucleotide variant.
Coding change: c.4473C>T on transcript NM_001375524.1 (MANE Select); coding-DNA position 4473, C replaced by T.
Protein change: p.Asn1491=; no amino-acid change (asparagine 1491 retained).
Molecular consequence: synonymous variant.
Genome position (GRCh38, 1-based): chr7:98,943,017, C>T. VCF-style: chr7-98943017-C-T. GRCh37 (hg19) VCF-style: chr7-98540640-C-T.
Other names: c.4473C>T (NM_003496.3); c.4473C>T, p.Asn1491= (NM_001244580.2, NM_003496.4).
Identifiers: ClinVar variation 2718936 (VCV002718936.4), dbSNP rs1433592568, ClinGen allele CA456659370.